The following is an entry in ClinVar:

ClinVar aggregate classification (germline): Uncertain significance (1 of 4 stars; one submission).

Allele frequency attached by ClinVar (database versions not stated): gnomAD exomes below 0.00001 and 0.00001; ExAC 0.00001.

Submission:

Labcorp Genetics (formerly Invitae), Labcorp
Classification: Uncertain significance. Last evaluated: 2021-09-24. Review status: criteria provided, single submitter. Criteria: Invitae Variant Classification Sherloc (09022015). Collection method: clinical testing. Allele origin: germline.
Comment: This sequence change replaces asparagine with serine at codon 162 of the EIF2B2 protein (p.Asn162Ser). The asparagine residue is highly conserved and there is a small physicochemical difference between asparagine and serine. The frequency data for this variant in the population databases is considered unreliable, as metrics indicate poor data quality at this position in the ExAC database. This variant has not been reported in the literature in individuals with EIF2B2-related conditions. Algorithms developed to predict the effect of missense changes on protein structure and function (SIFT, PolyPhen-2, Align-GVGD) all suggest that this variant is likely to be tolerated, but these predictions have not been confirmed by published functional studies and their clinical significance is uncertain. Algorithms developed to predict the effect of sequence changes on RNA splicing suggest that this variant may create or strengthen a splice site, but this prediction has not been confirmed by published transcriptional studies. In summary, the available evidence is currently insufficient to determine the role of this variant in disease. Therefore, it has been classified as a Variant of Uncertain Significance.

NM_014239.4(EIF2B2):c.485A>G (p.Asn162Ser)

Gene: EIF2B2 (eukaryotic translation initiation factor 2B subunit beta; plus strand). Cytogenetic location: 14q24.3.
Variant type: single nucleotide variant.
Coding change: c.485A>G on transcript NM_014239.4 (MANE Select); coding-DNA position 485, A replaced by G.
Protein change: p.Asn162Ser; replaces asparagine 162 with serine.
Molecular consequence: missense variant.
Genome position (GRCh38, 1-based): chr14:75,004,788, A>G. VCF-style: chr14-75004788-A-G. GRCh37 (hg19) VCF-style: chr14-75471491-A-G.
Other names: short protein forms N162S.
Identifiers: ClinVar variation 1467868 (VCV001467868.5), dbSNP rs754470588, ClinGen allele CA7274962.